The following is an entry in ClinVar:

NM_199420.4(POLQ):c.4562A>G (p.His1521Arg)

Gene: POLQ (DNA polymerase theta; minus strand). Cytogenetic location: 3q13.33.
Variant type: single nucleotide variant.
Coding change: c.4562A>G on transcript NM_199420.4 (MANE Select); coding-DNA position 4562, A replaced by G.
Protein change: p.His1521Arg; replaces histidine 1521 with arginine.
Molecular consequence: missense variant.
Genome position (GRCh38, 1-based): chr3:121,488,369, T>C on the plus strand (A>G on the coding strand, the complement: POLQ is on the minus strand). VCF-style: chr3-121488369-T-C. GRCh37 (hg19) VCF-style: chr3-121207216-T-C.
Other names: short protein forms H1521R.
Identifiers: ClinVar variation 2449614 (VCV002449614.2), dbSNP rs997403892, ClinGen allele CA81835545.

ClinVar aggregate classification (germline): Uncertain significance (1 of 4 stars; one submission).

Allele frequency attached by ClinVar (database versions not stated): gnomAD exomes below 0.00001; gnomAD 0.00001; TOPMed 0.00002.
gnomAD v4.1: 2 of 1,612,568 alleles (0.00012%); highest among the groups gnomAD compares: African/African-American, 0.0027%; no homozygotes.

Submission:

Ambry Genetics
Classification: Uncertain significance. Last evaluated: 2023-02-09. Review status: criteria provided, single submitter. Criteria: Ambry Variant Classification Scheme 2023. Collection method: clinical testing. Allele origin: germline.
Comment: The p.H1521R variant (also known as c.4562A>G), located in coding exon 16 of the POLQ gene, results from an A to G substitution at nucleotide position 4562. The histidine at codon 1521 is replaced by arginine, an amino acid with highly similar properties. This amino acid position is conserved. In addition, this alteration is predicted to be tolerated by in silico analysis. Since supporting evidence is limited at this time, the clinical significance of this alteration remains unclear.